The following is an entry in ClinVar:

NM_000051.4(ATM):c.1212_1213del (p.Gln404_Asn405insTer)

Gene: ATM (ATM serine/threonine kinase; plus strand). Cytogenetic location: 11q22.3.
Variant type: Deletion.
Coding change: c.1212_1213del on transcript NM_000051.4 (MANE Select); coding-DNA positions 1212 to 1213, 2 bases deleted (GA; older notation c.1212_1213delGA).
Protein change: p.Gln404_Asn405insTer.
Molecular consequence: frameshift variant.
Genome position (GRCh38, 1-based): chr11:108,249,079-108,249,080, GA deleted; deleting any 2 consecutive bases within chr11:108,249,078-108,249,080 gives the same sequence; the c. name uses the placement nearest the transcript's 3' end. VCF-style (leftmost placement, unchanged base first): chr11-108249077-CAG-C. GRCh37 (hg19) VCF-style: chr11-108119804-CAG-C.
Other names: c.1212_1213delGA (NM_000051.3); c.1212_1213del, p.Gln404_Asn405insTer (NM_001351834.2).
Identifiers: ClinVar variation 407571 (VCV000407571.18), dbSNP rs1060501609, ClinGen allele CA16612981.

ClinVar aggregate classification (germline): Pathogenic. Review status: criteria provided, multiple submitters, no conflicts (2 of 4 stars). 7 submissions from 7 submitters: Pathogenic (7). Last evaluated 2026-01-27.

Conditions:
Familial cancer of breast. Also called: Hereditary breast cancer; hereditary breast carcinoma; BREAST CANCER, FAMILIAL. Identifiers: Orphanet 227535, MedGen C0346153, MONDO:0016419, OMIM 114480. Disease mechanism: loss of function.
Hereditary cancer-predisposing syndrome. Also called: Hereditary neoplastic syndrome; Neoplastic Syndromes, Hereditary; Tumor predisposition; Hereditary Cancer Syndrome. Identifiers: Orphanet 140162, MedGen C0027672, MeSH D009386, MONDO:0015356.
Ataxia-telangiectasia syndrome (AT). Also called: Ataxia telangiectasia (A-T); LOUIS-BAR SYNDROME; Cerebello-oculocutaneous telangiectasia; Immunodeficiency with ataxia telangiectasia; Ataxia-telangiectasia, complementation group D; AT, COMPLEMENTATION GROUP C. Identifiers: Orphanet 100, MedGen C0004135, MONDO:0008840, OMIM 208900.

Submissions (7):

Natera, Inc.
Classification: Pathogenic for Ataxia-telangiectasia. Last evaluated: 2026-01-27. Review status: criteria provided, single submitter. Criteria: Natera Variant Classification Schema (03/2026). Collection method: clinical testing. Allele origin: germline.
Comment: The c.1212_1213del variant in ATM is a frameshift variant predicted to shift the reading frame and introduce a stop codon. This variant is expected to result in nonsense mediated decay, truncation, or a dysfunctional protein product. This variant is rare in the general population with a frequency below the threshold expected for the associated phenotype(s). This variant has been observed in one or more individuals affected with the associated recessive disease, as either homozygous or compound heterozygous with a second variant (PMID: 21665257). Given the available evidence, this variant is classified as Pathogenic.

Labcorp Genetics (formerly Invitae), Labcorp
Classification: Pathogenic for Ataxia-telangiectasia syndrome. Last evaluated: 2026-01-05. Review status: criteria provided, single submitter. Criteria: Invitae Variant Classification Sherloc (09022015). Collection method: clinical testing. Allele origin: germline.
Comment: This sequence change creates a premature translational stop signal (p.Asn405*) in the ATM gene. It is expected to result in an absent or disrupted protein product. Loss-of-function variants in ATM are known to be pathogenic (PMID: 23807571, 25614872). This variant is not present in population databases (gnomAD no frequency). This premature translational stop signal has been observed in individual(s) with ataxia-telangiectasia (PMID: 27664052). ClinVar contains an entry for this variant (Variation ID: 407571). RNA analysis performed to evaluate the impact of this premature translational stop signal on mRNA splicing indicates it does not significantly alter splicing (internal data). For these reasons, this variant has been classified as Pathogenic.

Myriad Genetics, Inc.
Classification: Pathogenic for Familial cancer of breast. Last evaluated: 2024-01-12. Review status: criteria provided, single submitter. Criteria: Myriad Autosomal Dominant, Autosomal Recessive and X-Linked Classification Criteria (2023). Collection method: clinical testing. Allele origin: unknown.
Comment: This variant is considered pathogenic. This variant creates a termination codon and is predicted to result in premature protein truncation.

GeneDx
Classification: Pathogenic. Last evaluated: 2023-07-19. Review status: criteria provided, single submitter. Criteria: GeneDx Variant Classification Process June 2021. Collection method: clinical testing. Allele origin: germline. Affected: yes.
Comment: Nonsense variant predicted to result in protein truncation or nonsense mediated decay in a gene for which loss-of-function is a known mechanism of disease; Published functional studies demonstrate a damaging effect: reduced ATM protein expression and kinase activity and increased radiosensitivity (Carranza et al., 2017); Co-observed with another pathogenic ATM variant in individuals with ataxia-telangiectasia (Micol et al., 2011; Carranza et al., 2017); Observed in individuals with pancreatic and colorectal cancer (Poliani et al., 2022; Puccini et al., 2022); Not observed in large population cohorts (gnomAD); Truncating variants in this gene are considered pathogenic by a well-established clinical consortium and/or database; This variant is associated with the following publications: (PMID: 36139606, 36356413, 27664052, 21665257)

Baylor Genetics
Classification: Pathogenic for Familial cancer of breast. Last evaluated: 2023-05-25. Review status: criteria provided, single submitter. Criteria: ACMG Guidelines, 2015. Collection method: clinical testing. Allele origin: unknown.

Color Diagnostics, LLC DBA Color Health
Classification: Pathogenic for Hereditary cancer-predisposing syndrome. Last evaluated: 2021-12-28. Review status: criteria provided, single submitter. Criteria: ACMG Guidelines, 2015. Collection method: clinical testing. Allele origin: germline.
Comment: This variant deletes 2 nucleotides in exon 9 of the ATM gene, creating a frameshift and premature translation stop signal. This variant is expected to result in an absent or non-functional protein product. This variant has been reported in an individual affected with high-risk breast cancer (PMID: 29522266). This variant has not been identified in the general population by the Genome Aggregation Database (gnomAD). Loss of ATM function is a known mechanism of disease. Based on the available evidence, this variant is classified as Pathogenic.

Ambry Genetics
Classification: Pathogenic for Hereditary cancer-predisposing syndrome. Last evaluated: 2021-02-22. Review status: criteria provided, single submitter. Criteria: Ambry Variant Classification Scheme 2023. Collection method: clinical testing. Allele origin: germline.
Comment: The c.1212_1213delGA pathogenic mutation, located in coding exon 8 of the ATM gene, results from a deletion of two nucleotides at nucleotide positions 1212 to 1213, causing a translational frameshift with a predicted alternate stop codon (p.N405*). This alteration has been identified in multiple individuals diagnosed with Ataxia-Telangiectasia (Micol R et al. J Allergy Clin Immunol, 2011 Aug;128:382-9.e1; Carranza D et al. Neuromolecular Med, 2017 Mar;19:161-174). In addition to the clinical data presented in the literature, this alteration is expected to result in loss of function by premature protein truncation or nonsense-mediated mRNA decay. As such, this alteration is interpreted as a disease-causing mutation.

Literature cited by the submitters: PubMed 21665257 (cited by Natera, Inc. and Ambry Genetics); PubMed 23807571 (cited by Labcorp Genetics (formerly Invitae), Labcorp); PubMed 25614872 (cited by Labcorp Genetics (formerly Invitae), Labcorp); PubMed 27664052 (cited by Labcorp Genetics (formerly Invitae), Labcorp and Ambry Genetics); PubMed 29522266 (cited by Color Diagnostics, LLC DBA Color Health).